The following is an entry in ClinVar:

NM_014208.3(DSPP):c.725C>T (p.Ser242Phe)

Genes: DMP1-AS1 (DMP1 and DSPP antisense RNA 1; minus strand), DSPP (dentin sialophosphoprotein; plus strand). Cytogenetic location: 4q22.1.
Variant type: single nucleotide variant.
Coding change: c.725C>T on transcript NM_014208.3 (MANE Select); coding-DNA position 725, C replaced by T.
Protein change: p.Ser242Phe; replaces serine 242 with phenylalanine.
Molecular consequence: missense variant.
Genome position (GRCh38, 1-based): chr4:87,612,911, C>T. VCF-style: chr4-87612911-C-T. GRCh37 (hg19) VCF-style: chr4-88534063-C-T.
Other names: short protein forms S242F.
Identifiers: ClinVar variation 3609198 (VCV003609198.2).

ClinVar aggregate classification (germline): Uncertain significance (1 of 4 stars; one submission).

Submission:

Labcorp Genetics (formerly Invitae), Labcorp
Classification: Uncertain significance. Last evaluated: 2025-07-10. Review status: criteria provided, single submitter. Criteria: Invitae Variant Classification Sherloc (09022015). Collection method: clinical testing. Allele origin: germline.
Comment: This sequence change replaces serine, which is neutral and polar, with phenylalanine, which is neutral and non-polar, at codon 242 of the DSPP protein (p.Ser242Phe). This variant is not present in population databases (gnomAD no frequency). This variant has not been reported in the literature in individuals affected with DSPP-related conditions. ClinVar contains an entry for this variant (Variation ID: 3609198). An algorithm developed to predict the effect of missense changes on protein structure and function outputs the following: PolyPhen-2: "Possibly Damaging". The phenylalanine amino acid residue is found in multiple mammalian species, which suggests that this missense change does not adversely affect protein function. In summary, the available evidence is currently insufficient to determine the role of this variant in disease. Therefore, it has been classified as a Variant of Uncertain Significance.